The following is an entry in ClinVar:

NM_201384.3(PLEC):c.12360G>T (p.Pro4120=)

Gene: PLEC (plectin; minus strand). Cytogenetic location: 8q24.3.
Variant type: single nucleotide variant.
Coding change: c.12360G>T on transcript NM_201384.3 (MANE Select); coding-DNA position 12360, G replaced by T.
Protein change: p.Pro4120=; no amino-acid change (proline 4120 retained).
Molecular consequence: synonymous variant.
Genome position (GRCh38, 1-based): chr8:143,917,461, C>A on the plus strand (G>T on the coding strand, the complement: PLEC is on the minus strand). VCF-style: chr8-143917461-C-A. GRCh37 (hg19) VCF-style: chr8-144991629-C-A.
Other names: c.12441G>T, p.Pro4147= (NM_000445.5); c.12318G>T, p.Pro4106= (NM_201378.4); c.12294G>T, p.Pro4098= (NM_201379.3); c.12771G>T, p.Pro4257= (NM_201380.4); c.12264G>T, p.Pro4088= (NM_201381.3); c.12360G>T, p.Pro4120= (NM_201382.4); c.12372G>T, p.Pro4124= (NM_201383.3).
Identifiers: ClinVar variation 787629 (VCV000787629.12), dbSNP rs146781600, ClinGen allele CA4924105.

ClinVar aggregate classification (germline): Likely benign. Review status: criteria provided, multiple submitters, no conflicts (2 of 4 stars). 2 submissions from 2 submitters: Likely benign (2). Last evaluated 2025-08-31.

Conditions:
Epidermolysis bullosa simplex 5B, with muscular dystrophy (EBS5B). Also called: Epidermolysis bullosa simplex with muscular dystrophy; EPIDERMOLYSIS BULLOSA SIMPLEX AND LIMB-GIRDLE MUSCULAR DYSTROPHY. Identifiers: Orphanet 257, MedGen C2931072, MONDO:0009181, OMIM 226670.
Epidermolysis bullosa simplex with nail dystrophy (EBS5D). Identifiers: MedGen C4225309, MONDO:0014661, OMIM 616487.
Autosomal recessive limb-girdle muscular dystrophy type 2Q (LGMDR17). Also called: MUSCULAR DYSTROPHY, LIMB-GIRDLE, AUTOSOMAL RECESSIVE 17. Identifiers: Orphanet 254361, MedGen C3150989, MONDO:0013390, OMIM 613723.
Epidermolysis bullosa simplex 5C, with pyloric atresia (EBS5C). Also called: PLEC-Related Epidermolysis Bullosa with Pyloric Atresia; Epidermolysis bullosa simplex with pyloric atresia; PLEC1-Related Epidermolysis Bullosa with Pyloric Atresia. Identifiers: Orphanet 158684, MedGen C2677349, MONDO:0012807, OMIM 612138.
Epidermolysis bullosa simplex, Ogna type (EBS5A). Also called: Pidermolysis bullosa simplex 5A, Ogna type; EPIDERMOLYSIS BULLOSA SIMPLEX 5A, OGNA TYPE. Identifiers: Orphanet 79401, MedGen C0432317, MONDO:0007555, OMIM 131950.
PLEC-related disorder. Also called: PLEC-related disorders; PLEC-related condition.

gnomAD v4.1: 11 of 1,613,728 alleles (0.00068%); highest among the groups gnomAD compares: Admixed American, 0.018%; no homozygotes.

Submissions (2):

Labcorp Genetics (formerly Invitae), Labcorp
Classification: Likely benign for Autosomal recessive limb-girdle muscular dystrophy type 2Q; Epidermolysis bullosa simplex, Ogna type; Epidermolysis bullosa simplex with nail dystrophy; Epidermolysis bullosa simplex 5C, with pyloric atresia; Epidermolysis bullosa simplex 5B, with muscular dystrophy. Last evaluated: 2025-08-31. Review status: criteria provided, single submitter. Criteria: Invitae Variant Classification Sherloc (09022015). Collection method: clinical testing. Allele origin: germline.

PreventionGenetics, part of Exact Sciences
Classification: Likely benign for PLEC-related condition. Last evaluated: 2025-03-17. Review status: criteria provided, single submitter. Criteria: ACMG Guidelines, 2015. Collection method: clinical testing. Allele origin: germline.
Comment: This variant is classified as likely benign based on ACMG/AMP sequence variant interpretation guidelines (Richards et al. 2015 PMID: 25741868, with internal and published modifications).